The following is an entry in ClinVar:

ClinVar aggregate classification (germline): Uncertain significance (0 of 4 stars; one submission).

Conditions:
Appendicitis. Identifiers: MedGen C0003615, MeSH D001064, MONDO:0005649, HP:6000143.

Submission:

Klinik und Poliklinik für Kinderchirurgie, Technische Universität Dresden, Universitätsklinikum Carl Gustav Carus
Classification: Uncertain significance for Appendicitis. Last evaluated: 2020-12-17. Review status: no assertion criteria provided. Collection method: research. Allele origin: de novo. Inheritance: Sporadic. Affected: yes. Observed: 1 variant allele, 1 heterozygote.
Comment: This variant was a de novo variant.

NM_020975.6(RET):c.1426C>A (p.Pro476Thr)

Gene: RET (ret proto-oncogene; plus strand). Cytogenetic location: 10q11.21.
Variant type: single nucleotide variant.
Coding change: c.1426C>A on transcript NM_020975.6 (MANE Select); coding-DNA position 1426, C replaced by A.
Protein change: p.Pro476Thr; replaces proline 476 with threonine.
Molecular consequence: missense variant.
Genome position (GRCh38, 1-based): chr10:43,111,369, C>A. VCF-style: chr10-43111369-C-A. GRCh37 (hg19) VCF-style: chr10-43606817-C-A.
Other names: c.1426C>A, p.Pro476Thr (NM_000323.2, NM_001406743.1, NM_001406744.1 and 6 more transcripts); c.664C>A, p.Pro222Thr (NM_001355216.2); c.1297C>A, p.Pro433Thr (NM_001406761.1, NM_001406762.1, NM_001406764.1 and 1 more transcripts); c.1138C>A, p.Pro380Thr (NM_001406766.1, NM_001406767.1, NM_001406770.1); c.1030C>A, p.Pro344Thr (NM_001406769.1, NM_001406772.1); c.988C>A, p.Pro330Thr (NM_001406771.1, NM_001406773.1); c.901C>A, p.Pro301Thr (NM_001406774.1); c.700C>A, p.Pro234Thr (NM_001406775.1, NM_001406776.1, NM_001406777.1 and 1 more transcripts); and 1 more; short protein forms P222T, P476T, P301T, P330T, P433T, P234T, P146T, P344T.
Identifiers: ClinVar variation 995822 (VCV000995822.5), dbSNP rs1588871312, ClinGen allele CA376549550.